The following is an entry in ClinVar:

ClinVar aggregate classification (germline): Uncertain significance (1 of 4 stars; one submission).

Allele frequency attached by ClinVar (database versions not stated): ExAC 0.00001.

Submission:

Labcorp Genetics (formerly Invitae), Labcorp
Classification: Uncertain significance. Last evaluated: 2025-09-02. Review status: criteria provided, single submitter. Criteria: Invitae Variant Classification Sherloc (09022015). Collection method: clinical testing. Allele origin: germline.
Comment: This sequence change falls in intron 10 of the COL11A2 gene. It does not directly change the encoded amino acid sequence of the COL11A2 protein. It affects a nucleotide within the consensus splice site. This variant is present in population databases (rs745722692, gnomAD 0.0009%). This variant has not been reported in the literature in individuals affected with COL11A2-related conditions. ClinVar contains an entry for this variant (Variation ID: 2826796). Variants that disrupt the consensus splice site are a relatively common cause of aberrant splicing (PMID: 17576681, 9536098). Algorithms developed to predict the effect of sequence changes on RNA splicing suggest that this variant may disrupt the consensus splice site. In summary, the available evidence is currently insufficient to determine the role of this variant in disease. Therefore, it has been classified as a Variant of Uncertain Significance.

Literature cited by the submitters: PubMed 17576681; PubMed 9536098.

NM_080680.3(COL11A2):c.1221+3_1221+4del

Gene: COL11A2 (collagen type XI alpha 2 chain; minus strand). Cytogenetic location: 6p21.32.
Variant type: Deletion.
Coding change: c.1221+3_1221+4del on transcript NM_080680.3 (MANE Select); bases 3 to 4 of the intron after coding-DNA position 1221, 2 bases deleted (AA; older notation c.1221+3_1221+4delAA).
Molecular consequence: intron variant.
Genome position (GRCh38, 1-based): chr6:33,180,960-33,180,961, TT deleted on the plus strand (AA on the coding strand, the reverse complement: COL11A2 is on the minus strand). VCF-style (leftmost placement, unchanged base first): chr6-33180959-CTT-C. GRCh37 (hg19) VCF-style: chr6-33148736-CTT-C.
Other names: c.195+3_195+4del (NM_001424110.1, NM_001424111.1); c.375+3_375+4del (NM_001424109.1); c.900+3_900+4del (NM_080679.3); c.963+3_963+4del (NM_080681.3); c.1041+3_1041+4del (NM_001424108.1).
Identifiers: ClinVar variation 2826796 (VCV002826796.3), dbSNP rs745722692, ClinGen allele CA3751425.
Genomic context (GRCh38, chr6:33,180,959, plus strand): 5'-CTCAGATGAGCACATAGAAGGGGTTTCTAAGAAAAGAATGGCCACCAGGTCACTGCTAGA[CTT>C]ACCGCAGGGCCTTCTGGGCCAGGGGGCCCCTCCACGAGCATACCCTGTGGAGTCAAAGGT-3'